The following is an entry in ClinVar:

ClinVar aggregate classification (germline): Pathogenic. Review status: criteria provided, multiple submitters, no conflicts (2 of 4 stars). 4 submissions from 4 submitters: Pathogenic (3). 1 of the submissions does not count toward it. Last evaluated 2022-08-10.

Conditions:
Tuberous sclerosis 2 (TSC2). Identifiers: Orphanet 805, MedGen C1860707, MONDO:0013199, OMIM 613254.
Tuberous sclerosis syndrome (TSC). Also called: Tuberous Sclerosis Complex; Tuberous sclerosis. Identifiers: Orphanet 805, MedGen C0041341, MONDO:0001734.

Submissions (4):

Labcorp Genetics (formerly Invitae), Labcorp
Classification: Pathogenic for Tuberous sclerosis 2. Last evaluated: 2022-08-10. Review status: criteria provided, single submitter. Criteria: Invitae Variant Classification Sherloc (09022015). Collection method: clinical testing. Allele origin: germline.
Comment: For these reasons, this variant has been classified as Pathogenic. ClinVar contains an entry for this variant (Variation ID: 49656). This premature translational stop signal has been observed in individual(s) with tuberous sclerosis (PMID: 16981987). This variant is not present in population databases (gnomAD no frequency). This sequence change creates a premature translational stop signal (p.Gln354*) in the TSC2 gene. It is expected to result in an absent or disrupted protein product. Loss-of-function variants in TSC2 are known to be pathogenic (PMID: 10205261, 17304050).

Genome-Nilou Lab
Classification: Pathogenic for Tuberous sclerosis 2. Last evaluated: 2021-11-07. Review status: criteria provided, single submitter. Criteria: ACMG Guidelines, 2015. Collection method: clinical testing. Allele origin: germline. Affected: no.

Athena Diagnostics
Classification: Pathogenic. Last evaluated: 2018-03-30. Review status: criteria provided, single submitter. Criteria: Athena Diagnostics Criteria. Collection method: clinical testing. Allele origin: germline.

Tuberous sclerosis database (TSC2)
No classification provided. Condition: TSC. Review status: no classification provided. Criteria: Tuberous Sclerosis Database Assertion Criteria 2015. Collection method: curation. Allele origin: germline. Affected: yes. Not counted in ClinVar's aggregate classification.

Literature cited by the submitters: PubMed 16981987 (cited by Labcorp Genetics (formerly Invitae), Labcorp and Athena Diagnostics); PubMed 10205261 (cited by Labcorp Genetics (formerly Invitae), Labcorp); PubMed 17304050 (cited by Labcorp Genetics (formerly Invitae), Labcorp).

NM_000548.5(TSC2):c.1060C>T (p.Gln354Ter)

Gene: TSC2 (TSC complex subunit 2; plus strand). Cytogenetic location: 16p13.3.
Variant type: single nucleotide variant.
Coding change: c.1060C>T on transcript NM_000548.5 (MANE Select); coding-DNA position 1060, C replaced by T.
Protein change: p.Gln354Ter; replaces glutamine 354 with a stop codon.
Molecular consequence: nonsense.
Genome position (GRCh38, 1-based): chr16:2,060,754, C>T. VCF-style: chr16-2060754-C-T. GRCh37 (hg19) VCF-style: chr16-2110755-C-T.
Other names: c.1060C>T, p.Gln354Ter (NM_001077183.3, NM_001114382.3, NM_001363528.2 and 3 more transcripts); c.949C>T, p.Gln317Ter (NM_001318827.2); c.913C>T, p.Gln305Ter (NM_001318829.2); c.460C>T, p.Gln154Ter (NM_001318831.2); c.1093C>T, p.Gln365Ter (NM_001318832.2); short protein forms Q354*, Q154*, Q305*, Q365*, Q317*.
Identifiers: ClinVar variation 49656 (VCV000049656.10), dbSNP rs45469896, ClinGen allele CA013658.
Genomic context (GRCh38, chr16:2,060,754, plus strand): 5'-GTGTCCTATGAGATCGTCCTGTCCATCACCAGGCTCATCAAGAAGTATAGGAAGGAGCTC[C>T]AGGTGGTGGCGTGGGACATTCTGCTGAACATCATCGAACGGCTCCTTCAGCAGCTCCAGG-3'